The following is an entry in ClinVar:

NM_000070.3(CAPN3):c.498+126A>G

Genes: CAPN3 (calpain 3; plus strand), LOC126862115 (BRD4-independent group 4 enhancer GRCh37_chr15:42677734-42678933; plus strand). Cytogenetic location: 15q15.1.
Variant type: single nucleotide variant.
Coding change: c.498+126A>G on transcript NM_000070.3 (MANE Select); 126 bases into the intron after coding-DNA position 498, A replaced by G.
Molecular consequence: intron variant.
Genome position (GRCh38, 1-based): chr15:42,386,411, A>G. VCF-style: chr15-42386411-A-G. GRCh37 (hg19) VCF-style: chr15-42678609-A-G.
Other names: c.498+126A>G (NM_024344.2, NM_173087.2).
Identifiers: ClinVar variation 680084 (VCV000680084.1), dbSNP rs12438453, ClinGen allele CA14078405.

ClinVar aggregate classification (germline): Benign (1 of 4 stars; one submission).

Allele frequency attached by ClinVar (database versions not stated): 1000 Genomes Project 30x 0.20331; gnomAD 0.15510; TOPMed 0.16544; 1000 Genomes Project 0.19808.
gnomAD v4.1: 118,959 of 779,062 alleles (15%); highest among the groups gnomAD compares: Admixed American, 28%; 10,708 homozygotes.

Submission:

GeneDx
Classification: Benign. Last evaluated: 2018-06-14. Review status: criteria provided, single submitter. Criteria: GeneDx Variant Classification (06012015). Collection method: clinical testing. Allele origin: germline. Affected: yes.
Comment: This variant is considered likely benign or benign based on one or more of the following criteria: it is a conservative change, it occurs at a poorly conserved position in the protein, it is predicted to be benign by multiple in silico algorithms, and/or has population frequency not consistent with disease.